The following is an entry in ClinVar:

NM_003072.5(SMARCA4):c.1222A>G (p.Arg408Gly)

Gene: SMARCA4 (SWI/SNF related BAF chromatin remodeling complex subunit ATPase 4; plus strand). Cytogenetic location: 19p13.2.
Variant type: single nucleotide variant.
Coding change: c.1222A>G on transcript NM_003072.5 (MANE Select); coding-DNA position 1222, A replaced by G.
Protein change: p.Arg408Gly; replaces arginine 408 with glycine.
Molecular consequence: missense variant. On other transcripts: non-coding transcript variant (1).
Genome position (GRCh38, 1-based): chr19:10,989,420, A>G. VCF-style: chr19-10989420-A-G. GRCh37 (hg19) VCF-style: chr19-11100096-A-G.
Other names: c.1222A>G, p.Arg408Gly (NM_001128844.3, NM_001128845.2, NM_001128846.2 and 4 more transcripts); short protein forms R408G.
Identifiers: ClinVar variation 1000425 (VCV001000425.8), dbSNP rs2086355525, ClinGen allele CA404059753.

ClinVar aggregate classification (germline): Uncertain significance (1 of 4 stars; one submission).

Conditions:
Rhabdoid tumor predisposition syndrome 2 (RTPS2). Identifiers: Orphanet 231108, Orphanet 69077, MedGen C2750074, MONDO:0013224, OMIM 613325.

Submission:

Labcorp Genetics (formerly Invitae), Labcorp
Classification: Uncertain significance for Rhabdoid tumor predisposition syndrome 2. Last evaluated: 2022-01-28. Review status: criteria provided, single submitter. Criteria: Invitae Variant Classification Sherloc (09022015). Collection method: clinical testing. Allele origin: germline.
Comment: In summary, the available evidence is currently insufficient to determine the role of this variant in disease. Therefore, it has been classified as a Variant of Uncertain Significance. Algorithms developed to predict the effect of missense changes on protein structure and function (SIFT, PolyPhen-2, Align-GVGD) all suggest that this variant is likely to be disruptive. ClinVar contains an entry for this variant (Variation ID: 1000425). This variant has not been reported in the literature in individuals affected with SMARCA4-related conditions. This variant is not present in population databases (gnomAD no frequency). This sequence change replaces arginine, which is basic and polar, with glycine, which is neutral and non-polar, at codon 408 of the SMARCA4 protein (p.Arg408Gly).